The following is an entry in ClinVar:

ClinVar aggregate classification (germline): Uncertain significance. Review status: criteria provided, multiple submitters, no conflicts (2 of 4 stars). 4 submissions from 4 submitters: Uncertain significance (4). Last evaluated 2026-02-10.

Conditions:
Peroxisome biogenesis disorder. Identifiers: Orphanet 79189, MedGen C1832200, MONDO:0019234. Disease mechanism: loss of function.
PEX16-related disorder. Also called: PEX16-related condition.

Allele frequency attached by ClinVar (database versions not stated): gnomAD exomes below 0.00001; ExAC 0.00001; gnomAD 0.00001; TOPMed 0.00002.
gnomAD v4.1: 8 of 1,610,580 alleles (0.0005%); highest among the groups gnomAD compares: East Asian, 0.011%; no homozygotes.

Submissions (4):

PreventionGenetics, part of Exact Sciences
Classification: Uncertain significance for PEX16-related condition. Last evaluated: 2026-02-10. Review status: criteria provided, single submitter. Criteria: ACMG Guidelines, 2015. Collection method: clinical testing. Allele origin: germline.
Comment: The PEX16 c.632C>T variant is predicted to result in the amino acid substitution p.Thr211Ile. To our knowledge, this variant has not been reported in the literature. This variant is reported in 0.0055% of alleles in individuals of East Asian descent in gnomAD. At this time, the clinical significance of this variant is uncertain due to the absence of conclusive functional and genetic evidence.

Labcorp Genetics (formerly Invitae), Labcorp
Classification: Uncertain significance for Peroxisome biogenesis disorder. Last evaluated: 2024-04-07. Review status: criteria provided, single submitter. Criteria: Invitae Variant Classification Sherloc (09022015). Collection method: clinical testing. Allele origin: germline.
Comment: This sequence change replaces threonine, which is neutral and polar, with isoleucine, which is neutral and non-polar, at codon 211 of the PEX16 protein (p.Thr211Ile). This variant is present in population databases (rs751488634, gnomAD 0.006%). This variant has not been reported in the literature in individuals affected with PEX16-related conditions. ClinVar contains an entry for this variant (Variation ID: 593425). Advanced modeling of protein sequence and biophysical properties (such as structural, functional, and spatial information, amino acid conservation, physicochemical variation, residue mobility, and thermodynamic stability) performed at Invitae indicates that this missense variant is not expected to disrupt PEX16 protein function with a negative predictive value of 80%. In summary, the available evidence is currently insufficient to determine the role of this variant in disease. Therefore, it has been classified as a Variant of Uncertain Significance.

GeneDx
Classification: Uncertain significance. Last evaluated: 2023-04-27. Review status: criteria provided, single submitter. Criteria: GeneDx Variant Classification Process June 2021. Collection method: clinical testing. Allele origin: germline. Affected: yes.
Comment: Not observed at significant frequency in large population cohorts (gnomAD); In silico analysis supports that this missense variant has a deleterious effect on protein structure/function; Has not been previously published as pathogenic or benign to our knowledge

Eurofins Ntd Llc (ga)
Classification: Uncertain significance. Last evaluated: 2017-07-25. Review status: criteria provided, single submitter. Criteria: EGL Classification Definitions 2015. Collection method: clinical testing. Allele origin: germline. Observed: 1 variant allele, 1 heterozygote.

NM_004813.4(PEX16):c.632C>T (p.Thr211Ile)

Gene: PEX16 (peroxisomal biogenesis factor 16; minus strand). Cytogenetic location: 11p11.2.
Variant type: single nucleotide variant.
Coding change: c.632C>T on transcript NM_004813.4 (MANE Select); coding-DNA position 632, C replaced by T.
Protein change: p.Thr211Ile; replaces threonine 211 with isoleucine.
Molecular consequence: missense variant.
Genome position (GRCh38, 1-based): chr11:45,914,378, G>A on the plus strand (C>T on the coding strand, the complement: PEX16 is on the minus strand). VCF-style: chr11-45914378-G-A. GRCh37 (hg19) VCF-style: chr11-45935929-G-A.
Other names: c.632C>T (NM_004813.2); c.632C>T, p.Thr211Ile (NM_057174.3); short protein forms T211I.
Identifiers: ClinVar variation 593425 (VCV000593425.8), dbSNP rs751488634, ClinGen allele CA5959893.